The following is an entry in ClinVar:

ClinVar aggregate classification (germline): Uncertain significance. Review status: criteria provided, multiple submitters, no conflicts (2 of 4 stars). 2 submissions from 2 submitters: Uncertain significance (2). Last evaluated 2025-11-09.

Conditions:
GANAB-related disorder. Also called: GANAB-related condition.

Allele frequency attached by ClinVar (database versions not stated): ExAC 0.00001; gnomAD 0.00001; gnomAD exomes 0.00001; TOPMed 0.00001.
gnomAD v4.1: 11 of 1,609,034 alleles (0.00068%); highest among the groups gnomAD compares: African/African-American, 0.0013%; no homozygotes.

Submissions (2):

PreventionGenetics, part of Exact Sciences
Classification: Uncertain significance for GANAB-related condition. Last evaluated: 2025-11-09. Review status: criteria provided, single submitter. Criteria: ACMG Guidelines, 2015. Collection method: clinical testing. Allele origin: germline.
Comment: The GANAB c.40T>C variant is predicted to result in the amino acid substitution p.Ser14Pro. To our knowledge, this variant has not been reported in the literature. This variant is reported in 0.0062% of alleles in individuals of African descent in gnomAD. At this time, the clinical significance of this variant is uncertain due to the absence of conclusive functional and genetic evidence.

Labcorp Genetics (formerly Invitae), Labcorp
Classification: Uncertain significance. Last evaluated: 2025-01-06. Review status: criteria provided, single submitter. Criteria: Invitae Variant Classification Sherloc (09022015). Collection method: clinical testing. Allele origin: germline.
Comment: This sequence change replaces serine, which is neutral and polar, with proline, which is neutral and non-polar, at codon 14 of the GANAB protein (p.Ser14Pro). This variant is present in population databases (rs762092056, gnomAD 0.007%). This variant has not been reported in the literature in individuals affected with GANAB-related conditions. ClinVar contains an entry for this variant (Variation ID: 2053316). Experimental studies and prediction algorithms are not available or were not evaluated, and the functional significance of this variant is currently unknown. In summary, the available evidence is currently insufficient to determine the role of this variant in disease. Therefore, it has been classified as a Variant of Uncertain Significance.

NM_198334.3(GANAB):c.40T>C (p.Ser14Pro)

Gene: GANAB (glucosidase II alpha subunit; minus strand). Cytogenetic location: 11q12.3.
Variant type: single nucleotide variant.
Coding change: c.40T>C on transcript NM_198334.3 (MANE Select); coding-DNA position 40, T replaced by C.
Protein change: p.Ser14Pro; replaces serine 14 with proline.
Molecular consequence: missense variant. On other transcripts: 5 prime UTR variant (5), intron variant (2).
Genome position (GRCh38, 1-based): chr11:62,639,730, A>G on the plus strand (T>C on the coding strand, the complement: GANAB is on the minus strand). VCF-style: chr11-62639730-A-G. GRCh37 (hg19) VCF-style: chr11-62407202-A-G.
Other names: c.-143T>C (NM_001278194.2); c.-252T>C (NM_001329222.2); c.-248T>C (NM_001329223.2); c.-737T>C (NM_001329224.2, NM_001329225.2); c.40T>C, p.Ser14Pro (NM_198335.4); c.39-4730T>C (NM_001278193.2, NM_001278192.2); c.40T>C (NM_198335.3); short protein forms S14P.
Identifiers: ClinVar variation 2053316 (VCV002053316.5), dbSNP rs762092056, ClinGen allele CA6051234.